The following is an entry in ClinVar:

ClinVar aggregate classification (germline): Uncertain significance (1 of 4 stars; one submission).

Submission:

Labcorp Genetics (formerly Invitae), Labcorp
Classification: Uncertain significance. Last evaluated: 2023-06-29. Review status: criteria provided, single submitter. Criteria: Invitae Variant Classification Sherloc (09022015). Collection method: clinical testing. Allele origin: germline.
Comment: This sequence change replaces glycine, which is neutral and non-polar, with arginine, which is basic and polar, at codon 250 of the ICOSLG protein (p.Gly250Arg). This variant is present in population databases (no rsID available, gnomAD 0.003%). This variant has not been reported in the literature in individuals affected with ICOSLG-related conditions. Algorithms developed to predict the effect of missense changes on protein structure and function output the following: SIFT: "Not Available"; PolyPhen-2: "Benign"; Align-GVGD: "Not Available". The arginine amino acid residue is found in multiple mammalian species, which suggests that this missense change does not adversely affect protein function. In summary, the available evidence is currently insufficient to determine the role of this variant in disease. Therefore, it has been classified as a Variant of Uncertain Significance.

NM_015259.6(ICOSLG):c.748G>C (p.Gly250Arg)

Gene: ICOSLG (inducible T cell costimulator ligand; minus strand). Cytogenetic location: 21q22.3.
Variant type: single nucleotide variant.
Coding change: c.748G>C on transcript NM_015259.6 (MANE Select); coding-DNA position 748, G replaced by C.
Protein change: p.Gly250Arg; replaces glycine 250 with arginine.
Molecular consequence: missense variant.
Genome position (GRCh38, 1-based): chr21:44,231,394, C>G on the plus strand (G>C on the coding strand, the complement: ICOSLG is on the minus strand). VCF-style: chr21-44231394-C-G. GRCh37 (hg19) VCF-style: chr21-45651277-C-G.
Other names: c.748G>C, p.Gly250Arg (NM_001283050.2, NM_001395918.1); c.397G>C, p.Gly133Arg (NM_001283051.2); c.493G>C, p.Gly165Arg (NM_001283052.2); c.667G>C, p.Gly223Arg (NM_001365759.2); short protein forms G133R, G223R, G165R, G250R.
Identifiers: ClinVar variation 2733360 (VCV002733360.3), dbSNP rs1185173697, ClinGen allele CA410613519.